The following is an entry in ClinVar:

ClinVar aggregate classification (germline): Benign/Likely benign. Review status: criteria provided, multiple submitters, no conflicts (2 of 4 stars). 3 submissions from 3 submitters: Benign (1); Likely benign (2). Last evaluated 2026-01-28.

Conditions:
Frontotemporal dementia and/or amyotrophic lateral sclerosis 1 (FTDALS1). Also called: C9orf72 Frontotemporal Dementia and/or Amyotrophic Lateral Sclerosis; Frontotemporal dementia with motor neuron disease 1. Identifiers: Orphanet 275872, MedGen C5779877, MONDO:0007105, OMIM 105550.
Paget disease of bone 2, early-onset (PDB2). Also called: Paget disease of bone 2. Identifiers: MedGen C4085251, MONDO:0011183, OMIM 602080.
SQSTM1-related disorder. Also called: SQSTM1-Related Disorders.
Inborn genetic diseases. Identifiers: MedGen C0950123, MeSH D030342.

Submissions (3):

Labcorp Genetics (formerly Invitae), Labcorp
Classification: Benign for Paget disease of bone 2, early-onset; Frontotemporal dementia and/or amyotrophic lateral sclerosis 1. Last evaluated: 2026-01-28. Review status: criteria provided, single submitter. Criteria: Invitae Variant Classification Sherloc (09022015). Collection method: clinical testing. Allele origin: germline.

PreventionGenetics, part of Exact Sciences
Classification: Likely benign for SQSTM1-related condition. Last evaluated: 2023-12-11. Review status: criteria provided, single submitter. Criteria: ACMG Guidelines, 2015. Collection method: clinical testing. Allele origin: germline.
Comment: This variant is classified as likely benign based on ACMG/AMP sequence variant interpretation guidelines (Richards et al. 2015 PMID: 25741868, with internal and published modifications).

Ambry Genetics
Classification: Likely benign for Inborn genetic diseases. Last evaluated: 2022-08-19. Review status: criteria provided, single submitter. Criteria: Ambry Variant Classification Scheme 2023. Collection method: clinical testing. Allele origin: germline.

NM_003900.5(SQSTM1):c.1166-14_1166-11del

Gene: SQSTM1 (sequestosome 1; plus strand). Cytogenetic location: 5q35.3.
Variant type: Deletion.
Coding change: c.1166-14_1166-11del on transcript NM_003900.5 (MANE Select); 14 bases into the intron before coding-DNA position 1166 through 11 bases into the intron before coding-DNA position 1166, 4 bases deleted (TACT; older notation c.1166-14_1166-11delTACT).
Molecular consequence: intron variant.
Genome position (GRCh38, 1-based): chr5:179,836,422-179,836,425, TACT deleted; deleting any 4 consecutive bases within chr5:179,836,420-179,836,425 gives the same sequence; the c. name uses the placement nearest the transcript's 3' end. VCF-style (leftmost placement, unchanged base first): chr5-179836419-CCTTA-C. GRCh37 (hg19) VCF-style: chr5-179263419-CCTTA-C.
Other names: c.1166-14_1166-11delTACT (NM_003900.4); c.914-14_914-11del (NM_001142298.2, NM_001142299.2).
Identifiers: ClinVar variation 1166392 (VCV001166392.11), dbSNP rs538853972, ClinGen allele CA3600844.